The following is an entry in ClinVar:

NM_002317.7(LOX):c.215C>T (p.Pro72Leu)

Genes: LOX (lysyl oxidase; minus strand), SRFBP1 (serum response factor binding protein 1; plus strand). Cytogenetic location: 5q23.1.
Variant type: single nucleotide variant.
Coding change: c.215C>T on transcript NM_002317.7 (MANE Select); coding-DNA position 215, C replaced by T.
Protein change: p.Pro72Leu; replaces proline 72 with leucine.
Molecular consequence: missense variant.
Genome position (GRCh38, 1-based): chr5:122,077,771, G>A on the plus strand (C>T on the coding strand, the complement: LOX is on the minus strand). VCF-style: chr5-122077771-G-A. GRCh37 (hg19) VCF-style: chr5-121413466-G-A.
Other names: short protein forms P72L.
Identifiers: ClinVar variation 2632792 (VCV002632792.1), dbSNP rs754947607, ClinGen allele CA3384101.

ClinVar aggregate classification (germline): Uncertain significance (1 of 4 stars; one submission).

Conditions:
LOX-related disorder. Also called: LOX-related disorders; LOX-related condition.

Submission:

PreventionGenetics, part of Exact Sciences
Classification: Uncertain significance for LOX-related condition. Last evaluated: 2023-05-08. Review status: criteria provided, single submitter. Criteria: ACMG Guidelines, 2015. Collection method: clinical testing. Allele origin: germline.
Comment: The LOX c.215C>T variant is predicted to result in the amino acid substitution p.Pro72Leu. To our knowledge, this variant has not been reported in the literature or in a large population database, indicating this variant is rare. At this time, the clinical significance of this variant is uncertain due to the absence of conclusive functional and genetic evidence.